The following is an entry in ClinVar:

NM_024306.5(FA2H):c.32_34del (p.Phe11del)

Genes: FA2H (fatty acid 2-hydroxylase; minus strand), LOC130059394 (ATAC-STARR-seq lymphoblastoid silent region 7701; plus strand). Cytogenetic location: 16q23.1.
Variant type: Deletion.
Coding change: c.32_34del on transcript NM_024306.5 (MANE Select); coding-DNA positions 32 to 34, 3 bases deleted (TCT; older notation c.32_34delTCT).
Protein change: p.Phe11del; deletes phenylalanine 11.
Molecular consequence: inframe deletion.
Genome position (GRCh38, 1-based): chr16:74,774,722-74,774,724, AGA deleted on the plus strand (TCT on the coding strand, the reverse complement: FA2H is on the minus strand); deleting any 3 consecutive bases within chr16:74,774,722-74,774,726 gives the same sequence; the c. name uses the placement nearest the transcript's 3' end. VCF-style (leftmost placement, unchanged base first): chr16-74774721-GAGA-G. GRCh37 (hg19) VCF-style: chr16-74808619-GAGA-G.
Other names: short protein forms F11del.
Identifiers: ClinVar variation 4536231 (VCV004536231.2).

ClinVar aggregate classification (germline): Conflicting classifications of pathogenicity. Review status: criteria provided, conflicting classifications (1 of 4 stars). 2 submissions from 2 submitters: Likely pathogenic (1); Uncertain significance (1). Last evaluated 2025-06-03.

Submissions (2):

GeneDx
Classification: Likely pathogenic. Last evaluated: 2025-06-03. Review status: criteria provided, single submitter. Criteria: GeneDx Variant Classification Process June 2021. Collection method: clinical testing. Allele origin: germline. Affected: yes.
Comment: Reported previously as a homozygous variant in siblings with limb weakness, spasticity, ataxia, dysarthria, cognitive impairment, and wheelchair use; these siblings also harbored another homozygous variant in a separate gene (PMID: 32358523); Published functional studies suggest that this variant does not impact FA2H protein expression or enzymatic function; however, further studies are needed (PMID: 32358523); Not observed at significant frequency in large population cohorts (gnomAD); In-frame deletion of 1 amino acid(s) in a non-repeat region; In silico analysis supports a deleterious effect on protein structure/function; This variant is associated with the following publications: (PMID: 24359114, 32358523)

Blueprint Genetics
Classification: Uncertain significance. Last evaluated: 2022-08-02. Review status: criteria provided, single submitter. Criteria: ACMG Guidelines, 2015. Collection method: clinical testing. Allele origin: germline.